The following is an entry in ClinVar:

ClinVar aggregate classification (germline): Uncertain significance (1 of 4 stars; one submission).

Allele frequency attached by ClinVar (database versions not stated): gnomAD exomes 0.00001.
gnomAD v4.1: 8 of 1,613,752 alleles (0.0005%); highest among the groups gnomAD compares: Non-Finnish European, 0.00068%; no homozygotes.

Submission:

Labcorp Genetics (formerly Invitae), Labcorp
Classification: Uncertain significance. Last evaluated: 2023-11-27. Review status: criteria provided, single submitter. Criteria: Invitae Variant Classification Sherloc (09022015). Collection method: clinical testing. Allele origin: germline.
Comment: This sequence change replaces valine, which is neutral and non-polar, with isoleucine, which is neutral and non-polar, at codon 84 of the CARMIL2 protein (p.Val84Ile). This variant is not present in population databases (gnomAD no frequency). This variant has not been reported in the literature in individuals affected with CARMIL2-related conditions. ClinVar contains an entry for this variant (Variation ID: 1369390). Algorithms developed to predict the effect of missense changes on protein structure and function output the following: SIFT: "Not Available"; PolyPhen-2: "Benign"; Align-GVGD: "Not Available". The isoleucine amino acid residue is found in multiple mammalian species, which suggests that this missense change does not adversely affect protein function. In summary, the available evidence is currently insufficient to determine the role of this variant in disease. Therefore, it has been classified as a Variant of Uncertain Significance.

NM_001013838.3(CARMIL2):c.250G>A (p.Val84Ile)

Gene: CARMIL2 (capping protein regulator and myosin 1 linker 2; plus strand). Cytogenetic location: 16q22.1.
Variant type: single nucleotide variant.
Coding change: c.250G>A on transcript NM_001013838.3 (MANE Select); coding-DNA position 250, G replaced by A.
Protein change: p.Val84Ile; replaces valine 84 with isoleucine.
Molecular consequence: missense variant.
Genome position (GRCh38, 1-based): chr16:67,646,186, G>A. VCF-style: chr16-67646186-G-A. GRCh37 (hg19) VCF-style: chr16-67680089-G-A.
Other names: c.250G>A, p.Val84Ile (NM_001317026.3); short protein forms V84I.
Identifiers: ClinVar variation 1369390 (VCV001369390.8), dbSNP rs2142909468, ClinGen allele CA396330791.
Genomic context (GRCh38, chr16:67,646,186, plus strand): 5'-GCTACCACCATCACCTGCGCCCATGTGTGGAGCCGAGGCCTAGTAGTGCCCCTTCCCTAG[G>A]TCACCTTTGAGCTGGAGTCCCTGCGTGAGCTGGTCCTGGAGTTTCCTGGTGTGGCCGCCC-3'
Protein context (NP_001013860.1, residues 74-94): AMALQETPPQ[Val84Ile]TFELESLREL